The following is an entry in ClinVar:

NM_000535.7(PMS2):c.1164T>G (p.His388Gln)

Gene: PMS2 (PMS1 homolog 2, mismatch repair system component; minus strand). Cytogenetic location: 7p22.1.
Variant type: single nucleotide variant.
Coding change: c.1164T>G on transcript NM_000535.7 (MANE Select); coding-DNA position 1164, T replaced by G.
Protein change: p.His388Gln; replaces histidine 388 with glutamine.
Molecular consequence: missense variant. On other transcripts: non-coding transcript variant (1), intron variant (1).
Genome position (GRCh38, 1-based): chr7:5,987,601, A>C on the plus strand (T>G on the coding strand, the complement: PMS2 is on the minus strand). VCF-style: chr7-5987601-A-C. GRCh37 (hg19) VCF-style: chr7-6027232-A-C.
Other names: c.759T>G, p.His253Gln (NM_001322003.2, NM_001322004.2, NM_001322005.2 and 16 more transcripts); c.1008T>G, p.His336Gln (NM_001322006.2, NM_001406870.1); c.846T>G, p.His282Gln (NM_001322007.2, NM_001322008.2, NM_001406883.1 and 2 more transcripts); c.603T>G, p.His201Gln (NM_001322010.2, NM_001406906.1, NM_001406907.1); c.231T>G, p.His77Gln (NM_001322011.2, NM_001322012.2); c.591T>G, p.His197Gln (NM_001322013.2, NM_001406909.1); c.1164T>G, p.His388Gln (NM_001322014.2, NM_001406871.1, NM_001406872.1); c.855T>G, p.His285Gln (NM_001322015.2, NM_001406880.1, NM_001406881.1 and 5 more transcripts); and 13 more; short protein forms H131Q, H197Q, H201Q, H217Q, H230Q, H233Q, H253Q, H266Q.
Identifiers: ClinVar variation 4862128 (VCV004862128.1).

ClinVar aggregate classification (germline): Uncertain significance (1 of 4 stars; one submission).

Conditions:
Hereditary cancer-predisposing syndrome. Also called: Neoplastic Syndromes, Hereditary; Tumor predisposition; Hereditary Cancer Syndrome; Hereditary neoplastic syndrome. Identifiers: Orphanet 140162, MedGen C0027672, MeSH D009386, MONDO:0015356.

Submission:

Ambry Genetics
Classification: Uncertain significance for Hereditary cancer-predisposing syndrome. Last evaluated: 2026-05-27. Review status: criteria provided, single submitter. Criteria: Ambry Variant Classification Scheme 2023. Collection method: clinical testing. Allele origin: germline.
Comment: The p.H388Q variant (also known as c.1164T>G), located in coding exon 11 of the PMS2 gene, results from a T to G substitution at nucleotide position 1164. The histidine at codon 388 is replaced by glutamine, an amino acid with highly similar properties. This amino acid position is not well conserved in available vertebrate species. In addition, this alteration is predicted to be tolerated by in silico analysis. Based on the available evidence, the clinical significance of this variant remains unclear.